The following is an entry in ClinVar:

NM_014159.7(SETD2):c.3961G>T (p.Asp1321Tyr)

Gene: SETD2 (SET domain containing 2, histone lysine methyltransferase; minus strand). Cytogenetic location: 3p21.31.
Variant type: single nucleotide variant.
Coding change: c.3961G>T on transcript NM_014159.7 (MANE Select); coding-DNA position 3961, G replaced by T.
Protein change: p.Asp1321Tyr; replaces aspartic acid 1321 with tyrosine.
Molecular consequence: missense variant. On other transcripts: non-coding transcript variant (1).
Genome position (GRCh38, 1-based): chr3:47,120,675, C>A on the plus strand (G>T on the coding strand, the complement: SETD2 is on the minus strand). VCF-style: chr3-47120675-C-A. GRCh37 (hg19) VCF-style: chr3-47162165-C-A.
Other names: c.3829G>T, p.Asp1277Tyr (NM_001349370.3); short protein forms D1277Y, D1321Y.
Identifiers: ClinVar variation 4975637 (VCV004975637.1).
Genomic context (GRCh38, chr3:47,120,675, plus strand): 5'-AATTCTCCTCTTCTTCACGATCATCTGTTAGGGAATCTGGTACTTGTCCTTGAGTTCGAT[C>A]ATACACAACCCCAGTTCCAGGAGGTCTACCTGATCTTGGATCCCAGTAACCATTGCCTTG-3'
Protein context (NP_054878.5, residues 1311-1331): GRPPGTGVVY[Asp1321Tyr]RTQGQVPDSL

ClinVar aggregate classification (germline): Uncertain significance (1 of 4 stars; one submission).

Submission:

GeneDx
Classification: Uncertain significance. Last evaluated: 2026-01-25. Review status: criteria provided, single submitter. Criteria: GeneDx Variant Classification Process June 2021. Collection method: clinical testing. Allele origin: germline.
Comment: Not observed at significant frequency in large population cohorts (gnomAD); In silico analysis supports that this missense variant has a deleterious effect on protein structure/function; Has not been previously published as pathogenic or benign to our knowledge